The following is an entry in ClinVar:

ClinVar aggregate classification (germline): Uncertain significance (1 of 4 stars; one submission).

Conditions:
Genitopatellar syndrome (GTPTS). Also called: Genitopatellar syndrome (GPS); ABSENT PATELLAE, SCROTAL HYPOPLASIA, RENAL ANOMALIES, FACIAL DYSMORPHISM, AND MENTAL RETARDATION. Identifiers: Orphanet 85201, MedGen C1853566, MONDO:0011640, OMIM 606170.

Submission:

Labcorp Genetics (formerly Invitae), Labcorp
Classification: Uncertain significance for Genitopatellar syndrome. Last evaluated: 2022-05-05. Review status: criteria provided, single submitter. Criteria: Invitae Variant Classification Sherloc (09022015). Collection method: clinical testing. Allele origin: germline.
Comment: This sequence change replaces aspartic acid, which is acidic and polar, with valine, which is neutral and non-polar, at codon 1557 of the KAT6B protein (p.Asp1557Val). This variant is not present in population databases (gnomAD no frequency). This variant has not been reported in the literature in individuals affected with KAT6B-related conditions. Algorithms developed to predict the effect of missense changes on protein structure and function are either unavailable or do not agree on the potential impact of this missense change (SIFT: "Deleterious"; PolyPhen-2: "Probably Damaging"; Align-GVGD: "Class C0"). In summary, the available evidence is currently insufficient to determine the role of this variant in disease. Therefore, it has been classified as a Variant of Uncertain Significance.

NM_012330.4(KAT6B):c.4670A>T (p.Asp1557Val)

Gene: KAT6B (lysine acetyltransferase 6B; plus strand). Cytogenetic location: 10q22.2.
Variant type: single nucleotide variant.
Coding change: c.4670A>T on transcript NM_012330.4 (MANE Select); coding-DNA position 4670, A replaced by T.
Protein change: p.Asp1557Val; replaces aspartic acid 1557 with valine.
Molecular consequence: missense variant.
Genome position (GRCh38, 1-based): chr10:75,029,494, A>T. VCF-style: chr10-75029494-A-T. GRCh37 (hg19) VCF-style: chr10-76789252-A-T.
Other names: c.4121A>T, p.Asp1374Val (NM_001256468.2, NM_001370138.1); c.3794A>T, p.Asp1265Val (NM_001256469.2, NM_001370139.1, NM_001370140.1 and 2 more transcripts); c.3632A>T, p.Asp1211Val (NM_001370132.1); c.2981A>T, p.Asp994Val (NM_001370133.1); c.2585A>T, p.Asp862Val (NM_001370134.1); c.2327A>T, p.Asp776Val (NM_001370135.1); c.4670A>T, p.Asp1557Val (NM_001370136.1, NM_001370137.1); c.3605A>T, p.Asp1202Val (NM_001370143.1, NM_001370144.1); short protein forms D1211V, D1374V, D776V, D1202V, D1265V, D1557V, D862V, D994V.
Identifiers: ClinVar variation 2134314 (VCV002134314.4), dbSNP rs2549204660, ClinGen allele CA377298381.